The following is an entry in ClinVar:

ClinVar aggregate classification (germline): Likely benign (1 of 4 stars; one submission).

Submission:

CeGaT Center for Human Genetics Tuebingen
Classification: Likely benign. Last evaluated: 2024-04-01. Review status: criteria provided, single submitter. Criteria: CeGaT Center For Human Genetics Tuebingen Variant Classification Criteria Version 2. Collection method: clinical testing. Allele origin: germline. Affected: yes. Observed: 2 variant alleles.
Comment: EHMT1: BS1

NM_024757.5(EHMT1):c.22-43600_22-43598del

Gene: EHMT1 (euchromatic histone lysine methyltransferase 1; plus strand). Cytogenetic location: 9q34.3.
Variant type: Microsatellite.
Coding change: c.22-43600_22-43598del on transcript NM_024757.5 (MANE Select); 43600 bases into the intron before coding-DNA position 22 through 43598 bases into the intron before coding-DNA position 22, 3 bases deleted (TGT; older notation c.22-43600_22-43598delTGT).
Molecular consequence: intron variant.
Genome position (GRCh38, 1-based): chr9:137,667,367-137,667,369, TGT deleted; deleting any 3 consecutive bases within chr9:137,667,364-137,667,369 gives the same sequence; the c. name uses the placement nearest the transcript's 3' end. VCF-style (leftmost placement, unchanged base first): chr9-137667363-ATGT-A. GRCh37 (hg19) VCF-style: chr9-140561815-ATGT-A.
Other names: c.22-43600_22-43598del (NM_001145527.2, NM_001354611.2, NM_001354263.2); c.-9+48318_-9+48320del (NM_001354612.2, NM_001354259.2).
Identifiers: ClinVar variation 2659831 (VCV002659831.24), dbSNP rs906945096, ClinGen allele CA201792164.